The following is an entry in ClinVar:

NM_001370658.1(BTD):c.111T>A (p.Tyr37Ter)

Gene: BTD (biotinidase; plus strand). Cytogenetic location: 3p25.1.
Variant type: single nucleotide variant.
Coding change: c.111T>A on transcript NM_001370658.1 (MANE Select); coding-DNA position 111, T replaced by A.
Protein change: p.Tyr37Ter; replaces tyrosine 37 with a stop codon.
Molecular consequence: nonsense.
Genome position (GRCh38, 1-based): chr3:15,635,550, T>A. VCF-style: chr3-15635550-T-A. GRCh37 (hg19) VCF-style: chr3-15677057-T-A.
Other names: c.111T>A, p.Tyr37Ter (NM_001281723.4, NM_001281724.3, NM_001281725.3 and 37 more transcripts); short protein forms Y37*.
Identifiers: ClinVar variation 5010481 (VCV005010481.1).

ClinVar aggregate classification (germline): Pathogenic (1 of 4 stars; one submission).

Conditions:
Biotinidase deficiency. Also called: BTD deficiency; Late-onset biotin-responsive multiple carboxylase deficiency; Biotin deficiency. Identifiers: Orphanet 79241, MedGen C0220754, MONDO:0009665, OMIM 253260.

Submission:

Myriad Genetics, Inc.
Classification: Pathogenic for Biotinidase deficiency. Last evaluated: 2025-02-22. Review status: criteria provided, single submitter. Criteria: Myriad Autosomal Dominant, Autosomal Recessive and X-Linked Classification Criteria (2023). Collection method: clinical testing. Allele origin: unknown.
Comment: NM_000060.2(BTD):c.171T>A(Y57*) is expected to be pathogenic in the context of biotinidase deficiency. This variant is predicted to lead to an abnormal or absent protein product due to the creation of a premature termination codon in BTD, a gene where loss-of-function variants are known to be pathogenic. Please note: this variant was assessed in the context of healthy population screening.